The following is an entry in ClinVar:

ClinVar aggregate classification (germline): Pathogenic (1 of 4 stars; one submission).

Conditions:
Joubert syndrome and related disorders. Identifiers: Orphanet 140874, MedGen C5679612, MONDO:0015369.

Submission:

Women's Health and Genetics/Laboratory Corporation of America, LabCorp
Classification: Pathogenic for Joubert syndrome and related disorders. Last evaluated: 2025-07-24. Review status: criteria provided, single submitter. Criteria: LabCorp Variant Classification Summary - May 2015. Collection method: clinical testing. Allele origin: germline.
Comment: Variant summary: CEP104 c.2080_2083delCAAA (p.Gln694ArgfsX5) results in a premature termination codon, predicted to cause a truncation of the encoded protein or absence of the protein due to nonsense mediated decay, which are commonly known mechanisms for disease. The variant was absent in 243442 control chromosomes. To our knowledge, no occurrence of c.2080_2083delCAAA in individuals affected with Joubert Syndrome And Related Disorders and no experimental evidence demonstrating its impact on protein function have been reported. No submitters have cited clinical-significance assessments for this variant to ClinVar. Based on the evidence outlined above, the variant was classified as pathogenic.

NM_014704.4(CEP104):c.2080_2083del (p.Gln694fs)

Genes: CEP104 (centrosomal protein 104; minus strand), LOC126805586 (CDK7 strongly-dependent group 2 enhancer GRCh37_chr1:3745882-3747081; plus strand). Cytogenetic location: 1p36.32.
Variant type: Deletion.
Coding change: c.2080_2083del on transcript NM_014704.4 (MANE Select); coding-DNA positions 2080 to 2083, 4 bases deleted (CAAA; older notation c.2080_2083delCAAA).
Protein change: p.Gln694fs; shifts the reading frame from glutamine 694.
Molecular consequence: frameshift variant.
Genome position (GRCh38, 1-based): chr1:3,829,334-3,829,337, TTTG deleted on the plus strand (CAAA on the coding strand, the reverse complement: CEP104 is on the minus strand); deleting any 4 consecutive bases within chr1:3,829,334-3,829,340 gives the same sequence; the c. name uses the placement nearest the transcript's 3' end. VCF-style (leftmost placement, unchanged base first): chr1-3829333-TTTTG-T. GRCh37 (hg19) VCF-style: chr1-3745897-TTTTG-T.
Other names: c.2080_2083delCAAA (NM_014704.4); short protein forms Q694fs.
Identifiers: ClinVar variation 4526232 (VCV004526232.1).